The following is an entry in ClinVar:

NM_138694.4(PKHD1):c.5706C>T (p.Thr1902=)

Gene: PKHD1 (PKHD1 ciliary IPT domain containing fibrocystin/polyductin; minus strand). Cytogenetic location: 6p12.2.
Variant type: single nucleotide variant.
Coding change: c.5706C>T on transcript NM_138694.4 (MANE Select); coding-DNA position 5706, C replaced by T.
Protein change: p.Thr1902=; no amino-acid change (threonine 1902 retained).
Molecular consequence: synonymous variant.
Genome position (GRCh38, 1-based): chr6:52,010,354, G>A on the plus strand (C>T on the coding strand, the complement: PKHD1 is on the minus strand). VCF-style: chr6-52010354-G-A. GRCh37 (hg19) VCF-style: chr6-51875152-G-A.
Other names: c.5706C>T, p.Thr1902= (NM_170724.3).
Identifiers: ClinVar variation 595260 (VCV000595260.21), dbSNP rs755566688, ClinGen allele CA3852450.

ClinVar aggregate classification (germline): Conflicting classifications of pathogenicity. Review status: criteria provided, conflicting classifications (1 of 4 stars). 4 submissions from 4 submitters: Uncertain significance (1); Likely benign (2). 1 of the submissions does not count toward it. Last evaluated 2026-01-28.

Conditions:
PKHD1-related disorder. Also called: PKHD1-related condition.
Autosomal recessive polycystic kidney disease (ARPKD). Also called: AR polycystic kidney disease. Identifiers: Orphanet 731, Orphanet 8378, MedGen C0085548, MeSH D017044, MONDO:0009889.

Allele frequency attached by ClinVar (database versions not stated): gnomAD 0.00001 and 0.00002; TOPMed 0.00002; ExAC 0.00004.
gnomAD v4.1: 31 of 1,613,496 alleles (0.0019%); highest among the groups gnomAD compares: South Asian, 0.024%; 1 homozygote.

Submissions (4):

Labcorp Genetics (formerly Invitae), Labcorp
Classification: Likely benign for Autosomal recessive polycystic kidney disease. Last evaluated: 2026-01-28. Review status: criteria provided, single submitter. Criteria: Invitae Variant Classification Sherloc (09022015). Collection method: clinical testing. Allele origin: germline.

PreventionGenetics, part of Exact Sciences
Classification: Likely benign for PKHD1-related condition. Last evaluated: 2025-06-10. Review status: criteria provided, single submitter. Criteria: ACMG Guidelines, 2015. Collection method: clinical testing. Allele origin: germline.
Comment: This variant is classified as likely benign based on ACMG/AMP sequence variant interpretation guidelines (Richards et al. 2015 PMID: 25741868, with internal and published modifications).

Eurofins Ntd Llc (ga)
Classification: Uncertain significance. Last evaluated: 2017-12-06. Review status: criteria provided, single submitter. Criteria: EGL Classification Definitions 2015. Collection method: clinical testing. Allele origin: germline. Observed: 1 variant allele, 1 heterozygote.

Natera, Inc.
Classification: Likely benign for Autosomal recessive polycystic kidney disease. Last evaluated: 2021-06-11. Review status: no assertion criteria provided. Collection method: clinical testing. Allele origin: germline. Not counted in ClinVar's aggregate classification.